The following is an entry in ClinVar:

NM_000392.5(ABCC2):c.1967+1G>A

Gene: ABCC2 (ATP binding cassette subfamily C member 2; plus strand). Cytogenetic location: 10q24.2.
Variant type: single nucleotide variant.
Coding change: c.1967+1G>A on transcript NM_000392.5 (MANE Select); the canonical splice donor site of the intron after coding-DNA position 1967, G replaced by A.
Molecular consequence: splice donor variant.
Genome position (GRCh38, 1-based): chr10:99,811,603, G>A. VCF-style: chr10-99811603-G-A. GRCh37 (hg19) VCF-style: chr10-101571360-G-A.
Other names: c.1967+1G>A (NM_000392.4).
Identifiers: ClinVar variation 194471 (VCV000194471.14), dbSNP rs146405172, ClinGen allele CA201196.

ClinVar aggregate classification (germline): Pathogenic/Likely pathogenic. Review status: criteria provided, multiple submitters, no conflicts (2 of 4 stars). 6 submissions from 6 submitters: Pathogenic (3); Likely pathogenic (1). 2 of the submissions do not count toward it. Last evaluated 2026-09-23.

Conditions:
ABCC2-related disorder. Also called: ABCC2-related condition.
Dubin-Johnson syndrome (DJS). Also called: HYPERBILIRUBINEMIA, DUBIN-JOHNSON TYPE; Jaundice, Chronic Idiopathic; Hyperbilirubinemia type 2. Identifiers: Orphanet 234, MedGen C0022350, MONDO:0009380, OMIM 237500.
Autosomal recessive inherited pseudoxanthoma elasticum (PXE). Identifiers: Orphanet 758, MedGen CN032334, MONDO:0009925, OMIM 264800.

Allele frequency attached by ClinVar (database versions not stated): gnomAD 0.00073 and 0.00078; 1000 Genomes Project 0.00020; ExAC 0.00063; TOPMed 0.00003; ESP Exome Variant Server 0.00015; 1000 Genomes Project 30x 0.00016; gnomAD exomes 0.00033 and 0.00080.

Submissions (6):

MVZ Martinsried, Medicover Genetics
Classification: Pathogenic for Dubin-Johnson syndrome. Last evaluated: 2026-09-23. Review status: criteria provided, single submitter. Criteria: ClinGen Variant Curation SOP V3.2 + Classification Guidance July2025. Collection method: clinical testing. Allele origin: unknown. Affected: yes. Observed: 1 homozygote.

Labcorp Genetics (formerly Invitae), Labcorp
Classification: Pathogenic. Last evaluated: 2026-01-13. Review status: criteria provided, single submitter. Criteria: Invitae Variant Classification Sherloc (09022015). Collection method: clinical testing. Allele origin: germline.
Comment: This sequence change affects a donor splice site in intron 15 of the ABCC2 gene. RNA analysis indicates that disruption of this splice site induces altered splicing and may result in an absent or altered protein product. This variant is present in population databases (rs146405172, gnomAD 0.8%), and has an allele count higher than expected for a pathogenic variant. Disruption of this splice site has been observed in individual(s) with Dubin-Johnson syndrome (PMID: 9878557, 15870973, 29499989). In at least one individual the data is consistent with being in trans (on the opposite chromosome) from a pathogenic variant. ClinVar contains an entry for this variant (Variation ID: 194471). Studies have shown that disruption of this splice site results in skipping of exon 15, and produces a non-functional protein and/or introduces a premature termination codon (PMID: 9878557). For these reasons, this variant has been classified as Pathogenic.

Blueprint Genetics
Classification: Pathogenic for ABCC2-related disorders. Last evaluated: 2024-10-23. Review status: criteria provided, single submitter. Criteria: ACMG Guidelines, 2015. Collection method: clinical testing. Allele origin: germline. Affected: yes. Observed: 5 variant alleles.

Eurofins Ntd Llc (ga)
Classification: Likely pathogenic. Last evaluated: 2017-10-02. Review status: criteria provided, single submitter. Criteria: EGL Classification Definitions 2015. Collection method: clinical testing. Allele origin: germline. Observed: 4 variant alleles, 4 heterozygotes.

PreventionGenetics, part of Exact Sciences
Classification: Likely pathogenic for ABCC2-related condition. Last evaluated: 2024-02-22. Review status: no assertion criteria provided. Collection method: clinical testing. Allele origin: germline. Not counted in ClinVar's aggregate classification.
Comment: The ABCC2 c.1967+1G>A variant is predicted to disrupt the GT donor site and interfere with normal splicing. This variant was reported as likely pathogenic in a study using exome sequencing during preconception genetic testing (Supplementary Table S1, Capalbo et al 2019. PubMed ID: 31589614). An adjacent variant at the same canonical splice junction has also been reported as causative (c.1967+2T>C; Kajihara et al. 1998. PubMed ID: 9878557). This variant is reported in 0.84% of alleles in individuals of European (Finnish) descent in gnomAD, including in a single homozygous individual. Variants that disrupt the consensus splice donor site in ABCC2 are expected to be pathogenic. This variant is interpreted as likely pathogenic.

Reproductive Health Research and Development, BGI Genomics
Classification: Likely pathogenic for Pseudoxanthoma elasticum. Last evaluated: 2020-01-06. Review status: no assertion criteria provided. Collection method: curation. Allele origin: germline. Not counted in ClinVar's aggregate classification.
Comment: NG_011798.2(NM_000392.5):c.1967+1G>A in the ABCC2 gene has an allele frequency of 0.008 in European (Finnish) subpopulation in the gnomAD database. The c.1967+1G>A variant destroys the canonical splice donor site. It is predicted to cause abnormal gene splicing, either leading to an abnormal message that is subject to nonsense-mediated mRNA decay or to an abnormal protein product if the message is used for protein translation. Taken together, we interprete this variant as Pathogenic/Likely pathogenic. ACMG/AMP Criteria applied: PVS1; PM2.

Literature cited by the submitters: PubMed 9878557 (cited by Labcorp Genetics (formerly Invitae), Labcorp); PubMed 15870973 (cited by Labcorp Genetics (formerly Invitae), Labcorp); PubMed 29499989 (cited by Labcorp Genetics (formerly Invitae), Labcorp).